The following is an entry in ClinVar:

NM_001983.4(ERCC1):c.164C>T (p.Ala55Val)

Gene: ERCC1 (ERCC excision repair 1, endonuclease non-catalytic subunit; minus strand). Cytogenetic location: 19q13.32.
Variant type: single nucleotide variant.
Coding change: c.164C>T on transcript NM_001983.4 (MANE Select); coding-DNA position 164, C replaced by T.
Protein change: p.Ala55Val; replaces alanine 55 with valine.
Molecular consequence: missense variant.
Genome position (GRCh38, 1-based): chr19:45,421,335, G>A on the plus strand (C>T on the coding strand, the complement: ERCC1 is on the minus strand). VCF-style: chr19-45421335-G-A. GRCh37 (hg19) VCF-style: chr19-45924593-G-A.
Other names: c.164C>T, p.Ala55Val (NM_001166049.2, NM_001369408.1, NM_001369409.1 and 11 more transcripts); short protein forms A55V.
Identifiers: ClinVar variation 4886103 (VCV004886103.2).

ClinVar aggregate classification (germline): Uncertain significance (1 of 4 stars; one submission).

gnomAD v4.1: 14 of 1,613,932 alleles (0.00087%); highest among the groups gnomAD compares: Admixed American, 0.005%; no homozygotes.

Submission:

Dasa
Classification: Uncertain significance. Last evaluated: 2025-04-16. Review status: criteria provided, single submitter. Criteria: DASA Assertion Criteria. Collection method: clinical testing. Allele origin: germline.
Comment: NM_001983.4(ERCC1):c.164C>T (p.Ala55Val) is a missense variant that results in the substitution of alanine with valine. This variant is rare in population databases. Computational prediction algorithms are consistent with a benign effect. The currently available literature and clinical evidence are not sufficient to establish a definitive association between this variant and the reported condition. Therefore, this variant is classified as a variant of uncertain significance.